The following is an entry in ClinVar:

ClinVar aggregate classification (germline): Uncertain significance (0 of 4 stars; one submission).

Conditions:
TPH1-related disorder. Also called: TPH1-related condition.

Submission:

PreventionGenetics, part of Exact Sciences
Classification: Uncertain significance for TPH1-related condition. Last evaluated: 2024-09-21. Review status: no assertion criteria provided. Collection method: clinical testing. Allele origin: germline.
Comment: The TPH1 c.433C>T variant is predicted to result in premature protein termination (p.Arg145*). This variant has been reported in two individuals with attention deficit/hyperactivity disorder (ADHD) (Halmøy et al. 2010. PubMed ID: 20921119; Demontis et al. 2016. PubMed ID: 27238071). This variant is reported in 0.021% of alleles in individuals of European (Non-Finnish) descent in gnomAD. At this time, the clinical significance of this variant is uncertain due to the absence of conclusive functional and genetic evidence.

NM_004179.3(TPH1):c.433C>T (p.Arg145Ter)

Gene: TPH1 (tryptophan hydroxylase 1; minus strand). Cytogenetic location: 11p15.1.
Variant type: single nucleotide variant.
Coding change: c.433C>T on transcript NM_004179.3 (MANE Select); coding-DNA position 433, C replaced by T.
Protein change: p.Arg145Ter; replaces arginine 145 with a stop codon.
Molecular consequence: nonsense.
Genome position (GRCh38, 1-based): chr11:18,029,549, G>A on the plus strand (C>T on the coding strand, the complement: TPH1 is on the minus strand). VCF-style: chr11-18029549-G-A. GRCh37 (hg19) VCF-style: chr11-18051096-G-A.
Other names: short protein forms R145*.
Identifiers: ClinVar variation 3357243 (VCV003357243.1).